The following is an entry in ClinVar:

ClinVar aggregate classification (germline): Uncertain significance (1 of 4 stars; one submission).

Conditions:
Pyridoxine-dependent epilepsy (EPEO4). Also called: PYRIDOXINE DEPENDENCY WITH SEIZURES; Pyridoxine-Dependent Seizures; Pyridoxine-Dependent Epilepsy - ALDH7A1; EPILEPSY, EARLY-ONSET, 4, VITAMIN B6-DEPENDENT. Identifiers: Orphanet 3006, MedGen C1849508, MONDO:0009945, OMIM 266100. Disease mechanism: loss of function.

Submission:

Labcorp Genetics (formerly Invitae), Labcorp
Classification: Uncertain significance for Pyridoxine-dependent epilepsy. Last evaluated: 2022-01-27. Review status: criteria provided, single submitter. Criteria: Invitae Variant Classification Sherloc (09022015). Collection method: clinical testing. Allele origin: germline.
Comment: This sequence change replaces aspartic acid, which is acidic and polar, with glutamic acid, which is acidic and polar, at codon 87 of the ALDH7A1 protein (p.Asp87Glu). This variant is not present in population databases (gnomAD no frequency). This variant has not been reported in the literature in individuals affected with ALDH7A1-related conditions. Advanced modeling of protein sequence and biophysical properties (such as structural, functional, and spatial information, amino acid conservation, physicochemical variation, residue mobility, and thermodynamic stability) performed at Invitae indicates that this missense variant is not expected to disrupt ALDH7A1 protein function. Algorithms developed to predict the effect of sequence changes on RNA splicing suggest that this variant may create or strengthen a splice site. In summary, the available evidence is currently insufficient to determine the role of this variant in disease. Therefore, it has been classified as a Variant of Uncertain Significance.

NM_001182.5(ALDH7A1):c.261C>G (p.Asp87Glu)

Gene: ALDH7A1 (aldehyde dehydrogenase 7 family member A1; minus strand). Cytogenetic location: 5q23.2.
Variant type: single nucleotide variant.
Coding change: c.261C>G on transcript NM_001182.5 (MANE Select); coding-DNA position 261, C replaced by G.
Protein change: p.Asp87Glu; replaces aspartic acid 87 with glutamic acid.
Molecular consequence: missense variant.
Genome position (GRCh38, 1-based): chr5:126,592,715, G>C on the plus strand (C>G on the coding strand, the complement: ALDH7A1 is on the minus strand). VCF-style: chr5-126592715-G-C. GRCh37 (hg19) VCF-style: chr5-125928407-G-C.
Other names: c.177C>G, p.Asp59Glu (NM_001201377.2); c.261C>G, p.Asp87Glu (NM_001202404.2); short protein forms D87E, D59E.
Identifiers: ClinVar variation 2043795 (VCV002043795.4), dbSNP rs2480364273, ClinGen allele CA360733182.